The following is an entry in ClinVar:

ClinVar aggregate classification (germline): Conflicting classifications of pathogenicity. Review status: criteria provided, conflicting classifications (1 of 4 stars). 6 submissions from 6 submitters: Uncertain significance (2); Likely benign (4). Last evaluated 2026-01-05.

Conditions:
Cardiovascular phenotype. Identifiers: MedGen CN230736.
Arrhythmogenic right ventricular dysplasia 11. Also called: Arrhythmogenic Right Ventricular Dysplasia/Cardiomyopathy11; ARRHYTHMOGENIC RIGHT VENTRICULAR DYSPLASIA, FAMILIAL, 11; Arrhythmogenic right ventricular dysplasia 11 with mild palmoplantar keratoderma and woolly hair. Identifiers: MedGen C1864850, MONDO:0012506, OMIM 610476.
Familial isolated arrhythmogenic right ventricular dysplasia. Identifiers: Orphanet 217656, MedGen C4274968, MONDO:0016342.
Cardiomyopathy (CMYO). Also called: Cardiomyopathies. Identifiers: Orphanet 167848, MedGen C0878544, MONDO:0004994, HP:0001638. Inheritance: Various modes of inheritance.

Allele frequency attached by ClinVar (database versions not stated): TOPMed below 0.00001; ExAC 0.00003; gnomAD exomes 0.00001 and 0.00002; gnomAD 0.00001.
gnomAD v4.1: 19 of 1,612,794 alleles (0.0012%); highest among the groups gnomAD compares: South Asian, 0.018%; no homozygotes.

Submissions (6):

Women's Health and Genetics/Laboratory Corporation of America, LabCorp
Classification: Likely benign. Last evaluated: 2026-01-05. Review status: criteria provided, single submitter. Criteria: LabCorp Variant Classification Summary - May 2015. Collection method: clinical testing. Allele origin: germline.
Comment: Variant summary: DSC2 c.1081G>A (p.Val361Met) results in a conservative amino acid change in the encoded protein sequence. Algorithms developed to predict the effect of missense changes on protein structure and function all suggest that this variant is likely to be tolerated. The variant allele was found at a frequency of 1.2e-05 in 1612794 control chromosomes, predominantly at a frequency of 0.00018 within the South Asian subpopulation in the gnomAD database. The observed variant frequency within South Asian control individuals in the gnomAD database exceeds the estimated maximal expected allele frequency for disease-causing variants in DSC2. c.1081G>A has been observed in a setting of multigene panel testing in an individual affected with Dilated Cardiomyopathy without strong evidence suggesting causality (Khan_2022). This report does not provide unequivocal conclusions about association of the variant with Arrhythmogenic Right Ventricular Dysplasia/Cardiomyopathy. To our knowledge, no experimental evidence demonstrating an impact on protein function has been reported. The following publication has been ascertained in the context of this evaluation (PMID: 34935411). ClinVar contains an entry for this variant (Variation ID: 431881). Based on the evidence outlined above, the variant was classified as likely benign.

All of Us Research Program, National Institutes of Health
Classification: Likely benign for Familial isolated arrhythmogenic right ventricular dysplasia. Last evaluated: 2023-10-06. Review status: criteria provided, single submitter. Criteria: ACMG Guidelines, 2015. Collection method: clinical testing. Allele origin: germline. Inheritance: Autosomal dominant inheritance. Observed: 3 variant alleles, 3 heterozygotes.
Comment: This study involves interpretation of variants in research participants for the purpose of population health screening. Participant phenotype was not available at the time of variant classification. Additional details can be found in publication PMID: 35346344, PMCID: PMC8962531

Ambry Genetics
Classification: Likely benign for Cardiovascular phenotype. Last evaluated: 2022-03-10. Review status: criteria provided, single submitter. Criteria: Ambry Variant Classification Scheme 2023. Collection method: clinical testing. Allele origin: germline.

Labcorp Genetics (formerly Invitae), Labcorp
Classification: Uncertain significance for Arrhythmogenic right ventricular dysplasia 11. Last evaluated: 2021-08-20. Review status: criteria provided, single submitter. Criteria: Invitae Variant Classification Sherloc (09022015). Collection method: clinical testing. Allele origin: germline.
Comment: This sequence change replaces valine with methionine at codon 361 of the DSC2 protein (p.Val361Met). The valine residue is moderately conserved and there is a small physicochemical difference between valine and methionine. This variant is present in population databases (rs751810874, ExAC 0.02%). This variant has not been reported in the literature in individuals affected with DSC2-related conditions. ClinVar contains an entry for this variant (Variation ID: 431881). Algorithms developed to predict the effect of missense changes on protein structure and function are either unavailable or do not agree on the potential impact of this missense change (SIFT: "Tolerated"; PolyPhen-2: "Probably Damaging"; Align-GVGD: "Class C0"). In summary, the available evidence is currently insufficient to determine the role of this variant in disease. Therefore, it has been classified as a Variant of Uncertain Significance.

Color Diagnostics, LLC DBA Color Health
Classification: Likely benign for Cardiomyopathy. Last evaluated: 2020-04-16. Review status: criteria provided, single submitter. Criteria: ACMG Guidelines, 2015. Collection method: clinical testing. Allele origin: germline.

GeneDx
Classification: Uncertain significance. Last evaluated: 2018-03-01. Review status: criteria provided, single submitter. Criteria: GeneDx Variant Classification (06012015). Collection method: clinical testing. Allele origin: germline. Affected: yes.
Comment: A variant of uncertain significance has been identified in the DSC2 gene. The V361M variant has not been published as pathogenic or been reported as benign to our knowledge. This variant is observed in 6/30772 (0.02%) alleles from individuals of South Asian ancestry in large population cohorts (Lek et al., 2016). The V361M variant is a conservative amino acid substitution, which is not likely to impact secondary protein structure as these residues share similar properties. In-silico analyses, including protein predictors and evolutionary conservation, support that this variant does not alter protein structure/function.

Literature cited by the submitters: PubMed 34935411 (cited by Women's Health and Genetics/Laboratory Corporation of America, LabCorp).

NM_024422.6(DSC2):c.1081G>A (p.Val361Met)

Gene: DSC2 (desmocollin 2; minus strand). Cytogenetic location: 18q12.1.
Variant type: single nucleotide variant.
Coding change: c.1081G>A on transcript NM_024422.6 (MANE Select); coding-DNA position 1081, G replaced by A.
Protein change: p.Val361Met; replaces valine 361 with methionine.
Molecular consequence: missense variant.
Genome position (GRCh38, 1-based): chr18:31,082,420, C>T on the plus strand (G>A on the coding strand, the complement: DSC2 is on the minus strand). VCF-style: chr18-31082420-C-T. GRCh37 (hg19) VCF-style: chr18-28662386-C-T.
Other names: c.1081G>A, p.Val361Met (NM_004949.5); short protein forms V361M.
Identifiers: ClinVar variation 431881 (VCV000431881.16), dbSNP rs751810874, ClinGen allele CA029766.